The following is an entry in ClinVar:

NM_014521.3(SH3BP4):c.2649C>T (p.Asn883=)

Gene: SH3BP4 (SH3 domain binding protein 4; plus strand). Cytogenetic location: 2q37.2.
Variant type: single nucleotide variant.
Coding change: c.2649C>T on transcript NM_014521.3 (MANE Select); coding-DNA position 2649, C replaced by T.
Protein change: p.Asn883=; no amino-acid change (asparagine 883 retained).
Molecular consequence: synonymous variant.
Genome position (GRCh38, 1-based): chr2:235,052,732, C>T. VCF-style: chr2-235052732-C-T. GRCh37 (hg19) VCF-style: chr2-235961376-C-T.
Other names: c.2649C>T, p.Asn883= (NM_001371302.1, NM_001371303.1, NM_001371304.1 and 2 more transcripts).
Identifiers: ClinVar variation 2652033 (VCV002652033.24), dbSNP rs145962934, ClinGen allele CA2184036.

ClinVar aggregate classification (germline): Likely benign (1 of 4 stars; one submission).

Allele frequency attached by ClinVar (database versions not stated): ESP Exome Variant Server 0.00008; TOPMed 0.00013; gnomAD 0.00027; 1000 Genomes Project 0.00140; 1000 Genomes Project 30x 0.00156; ExAC 0.00182.
gnomAD v4.1: 847 of 1,600,598 alleles (0.053%); highest among the groups gnomAD compares: South Asian, 0.87%; 8 homozygotes.

Submission:

CeGaT Center for Human Genetics Tuebingen
Classification: Likely benign. Last evaluated: 2023-10-01. Review status: criteria provided, single submitter. Criteria: CeGaT Center For Human Genetics Tuebingen Variant Classification Criteria Version 2. Collection method: clinical testing. Allele origin: germline. Affected: yes. Observed: 1 variant allele.
Comment: SH3BP4: BP4, BP7, BS2